The following is an entry in ClinVar:

ClinVar aggregate classification (germline): Uncertain significance (1 of 4 stars; one submission).

Allele frequency attached by ClinVar (database versions not stated): 1000 Genomes Project 30x 0.00021; 1000 Genomes Project 0.00026.
gnomAD v4.1: 4 of 1,191,363 alleles (0.00034%); highest among the groups gnomAD compares: African/African-American, 0.0035%; no homozygotes.

Submissions (2):

Centre of Medical Genetics, University Hospital Muenster
Classification: Uncertain significance. Review status: criteria provided, single submitter. Criteria: ACMG Guidelines, 2015. Collection method: clinical testing. Allele origin: unknown. Affected: yes. Observed: 1 variant allele.
Comment: ACMG categories: PP3

Dr. Peter K. Rogan Lab, Western University
No classification provided (evidence only). Condition: Thyroid cancer, nonmedullary, 1. Review status: no classification provided. Collection method: in vitro. Allele origin: not applicable. Functional consequence: retained intron. Not counted in ClinVar's aggregate classification.

NM_001257291.2(SLC9A7):c.1744G>T (p.Gly582Cys)

Gene: SLC9A7 (solute carrier family 9 member A7; minus strand). Cytogenetic location: Xp11.3.
Variant type: single nucleotide variant.
Coding change: c.1744G>T on transcript NM_001257291.2 (MANE Select); coding-DNA position 1744, G replaced by T.
Protein change: p.Gly582Cys; replaces glycine 582 with cysteine.
Molecular consequence: missense variant.
Genome position (GRCh38, 1-based): chrX:46,621,056, C>A on the plus strand (G>T on the coding strand, the complement: SLC9A7 is on the minus strand). VCF-style: chrX-46621056-C-A. GRCh37 (hg19) VCF-style: chrX-46480491-C-A.
Other names: NC_000023.10:g.46480491C>A; c.1741G>T, p.Gly581Cys (NM_032591.3); short protein forms G581C, G582C.
Identifiers: ClinVar variation 2430315 (VCV002430315.3), dbSNP rs143878309, ClinGen allele CA10393770.